The following is an entry in ClinVar:

ClinVar aggregate classification (germline): Conflicting classifications of pathogenicity. Review status: criteria provided, conflicting classifications (1 of 4 stars). 9 submissions from 9 submitters: Uncertain significance (1); Benign (4); Likely benign (3). 1 of the submissions does not count toward it. Last evaluated 2024-11-26.

Conditions:
Hereditary leiomyomatosis and renal cell cancer. Also called: Reed syndrome; Multiple cutaneous and uterine leiomyomatosis; Cutaneous leiomyomata with uterine leiomyomata; Leiomyoma, hereditary multiple, of skin; Multiple cutaneous and uterine leiomyomata; MULTIPLE CUTANEOUS AND UTERINE LEIOMYOMATA 1, WITH OR WITHOUT RENAL CELL CARCINOMA. Identifiers: Orphanet 523, MedGen C1708350, MONDO:0007888, OMIM 150800, HP:0007437. Disease mechanism: loss of function.
Hereditary cancer-predisposing syndrome. Also called: Tumor predisposition; Hereditary Cancer Syndrome; Neoplastic Syndromes, Hereditary; Hereditary neoplastic syndrome. Identifiers: Orphanet 140162, MedGen C0027672, MeSH D009386, MONDO:0015356.
Fumarase deficiency (FMRD). Also called: Fumarate Hydratase Deficiency; Fumaric aciduria. Identifiers: Orphanet 24, MedGen C0342770, MONDO:0011730, OMIM 606812.

Submissions (9):

Blueprint Genetics
Classification: Benign. Last evaluated: 2024-11-26. Review status: criteria provided, single submitter. Criteria: ACMG Guidelines, 2015. Collection method: clinical testing. Allele origin: germline.

Labcorp Genetics (formerly Invitae), Labcorp
Classification: Likely benign. Last evaluated: 2024-10-16. Review status: criteria provided, single submitter. Criteria: Invitae Variant Classification Sherloc (09022015). Collection method: clinical testing. Allele origin: germline.

Department of Pathology and Laboratory Medicine, Sinai Health System
Classification: Benign for hereditary leiomyomatosis and renal cell cancer. Last evaluated: 2021-08-10. Review status: criteria provided, single submitter. Criteria: ACMG Guidelines, 2015. Collection method: clinical testing. Allele origin: germline. Affected: yes.

Hereditary Cancer Laboratory, Hospital Universitario 12 de Octubre
Classification: Benign for Hereditary cancer-predisposing syndrome. Last evaluated: 2019-12-15. Review status: criteria provided, single submitter. Criteria: ACMG Guidelines, 2015. Collection method: clinical testing. Allele origin: germline.
Comment: BA1

GeneDx
Classification: Benign. Last evaluated: 2019-08-07. Review status: criteria provided, single submitter. Criteria: GeneDx Variant Classification Process June 2021. Collection method: clinical testing. Allele origin: germline. Affected: yes.

Mendelics
Classification: Likely benign for Fumarase deficiency. Last evaluated: 2019-05-28. Review status: criteria provided, single submitter. Criteria: Mendelics Assertion Criteria 2017. Collection method: clinical testing. Allele origin: unknown.

Laboratory for Molecular Medicine, Mass General Brigham Personalized Medicine
Classification: Uncertain significance. Last evaluated: 2016-03-28. Review status: criteria provided, single submitter. Criteria: LMM Criteria. Collection method: clinical testing. Allele origin: germline.
Comment: Variant identified in a genome or exome case(s) and assessed due to predicted null impact of the variant or pathogenic assertions in the literature or databases. Disclaimer: This variant has not undergone full assessment. The following are preliminary notes: Expansion of intronic repeat, unlikely to impact splicing. Other expansions near this position (maybe same one? Hard to tell) present in ExAC at moderate frequency (~0.1% E. Asian)

Ambry Genetics
Classification: Likely benign for Hereditary cancer-predisposing syndrome. Last evaluated: 2014-12-16. Review status: criteria provided, single submitter. Criteria: Ambry Variant Classification Scheme 2023. Collection method: clinical testing. Allele origin: germline.

Center for Genomic Medicine, Rigshospitalet, Copenhagen University Hospital
Classification: Likely benign. Last evaluated: 2021-09-03. Review status: no assertion criteria provided. Collection method: clinical testing. Allele origin: germline. Not counted in ClinVar's aggregate classification.

NM_000143.4(FH):c.1237-50TC[21]

Gene: FH (fumarate hydratase; minus strand). Cytogenetic location: 1q43.
Variant type: Microsatellite.
Coding change: c.1237-50TC[21] on transcript NM_000143.4 (MANE Select); 21 copies in a row of the 2-base unit TC starting at c.1237-50; the reference has 19 copies in a row; two copies, 4 bases duplicated.
Molecular consequence: intron variant.
Genome position (GRCh38, 1-based): chr1:241,500,603-241,500,606, GAGA duplicated on the plus strand (TCTC on the coding strand, the reverse complement: FH is on the minus strand); duplicating any 4 consecutive bases within chr1:241,500,603-241,500,640 gives the same sequence; the position shown is the placement nearest the transcript's 3' end. VCF-style (leftmost placement, unchanged base first): chr1-241500602-T-TGAGA. GRCh37 (hg19) VCF-style: chr1-241663902-T-TGAGA.
Other names: c.1237-16_1237-13dupTCTC (NM_000143.3).
Identifiers: ClinVar variation 296866 (VCV000296866.21), dbSNP rs144131869, ClinGen allele CA10610745.